The following is an entry in ClinVar:

NM_001379270.1(CNGA1):c.1768A>G (p.Met590Val)

Genes: CNGA1 (cyclic nucleotide gated channel subunit alpha 1; minus strand), LOC101927157 (uncharacterized LOC101927157; plus strand). Cytogenetic location: 4p12.
Variant type: single nucleotide variant.
Coding change: c.1768A>G on transcript NM_001379270.1 (MANE Select); coding-DNA position 1768, A replaced by G.
Protein change: p.Met590Val; replaces methionine 590 with valine.
Molecular consequence: missense variant.
Genome position (GRCh38, 1-based): chr4:47,936,714, T>C on the plus strand (A>G on the coding strand, the complement: CNGA1 is on the minus strand). VCF-style: chr4-47936714-T-C. GRCh37 (hg19) VCF-style: chr4-47938731-T-C.
Other names: c.1768A>G, p.Met590Val (NM_000087.5, NM_001142564.2); c.1780A>G (NM_000087.4); short protein forms M590V.
Identifiers: ClinVar variation 954391 (VCV000954391.9), dbSNP rs375049806, ClinGen allele CA2911018.
Genomic context (GRCh38, chr4:47,936,714, plus strand): 5'-CAATGTTTAGATCCAGTAGACCATCTTTCATTAAAATCTGCTTCCCTTTCTCTTCCAGCA[T>C]AGTTTTGGCATCTGGGTACTCAGTTAGAGCTTCCATGAGGTCATCTTTTGAGAGACAGAA-3'
Protein context (NP_001366199.1, residues 580-600): ALTEYPDAKT[Met590Val]LEEKGKQILM

ClinVar aggregate classification (germline): Uncertain significance. Review status: criteria provided, multiple submitters, no conflicts (2 of 4 stars). 4 submissions from 4 submitters: Uncertain significance (4). Last evaluated 2022-10-02.

Conditions:
Inborn genetic diseases. Identifiers: MedGen C0950123, MeSH D030342.
Retinitis pigmentosa 49 (RP49). Identifiers: Orphanet 791, MedGen C3151059, MONDO:0013405, OMIM 613756.

Allele frequency attached by ClinVar (database versions not stated): gnomAD exomes 0.00002 and 0.00011; ExAC 0.00003; TOPMed 0.00004; gnomAD 0.00005 and 0.00006; ESP Exome Variant Server 0.00008.
gnomAD v4.1: 162 of 1,614,078 alleles (0.01%); highest among the groups gnomAD compares: Non-Finnish European, 0.013%; no homozygotes.

Submissions (4):

Revvity Omics, Revvity
Classification: Uncertain significance for Retinitis pigmentosa 49. Last evaluated: 2022-10-02. Review status: criteria provided, single submitter. Criteria: ACMG Guidelines, 2015. Collection method: clinical testing. Allele origin: germline.

Blueprint Genetics
Classification: Uncertain significance. Last evaluated: 2022-09-27. Review status: criteria provided, single submitter. Criteria: ACMG Guidelines, 2015. Collection method: clinical testing. Allele origin: germline.

Labcorp Genetics (formerly Invitae), Labcorp
Classification: Uncertain significance. Last evaluated: 2022-03-18. Review status: criteria provided, single submitter. Criteria: Invitae Variant Classification Sherloc (09022015). Collection method: clinical testing. Allele origin: germline.
Comment: This sequence change replaces methionine, which is neutral and non-polar, with valine, which is neutral and non-polar, at codon 594 of the CNGA1 protein (p.Met594Val). This variant is present in population databases (rs375049806, gnomAD 0.006%). This variant has not been reported in the literature in individuals affected with CNGA1-related conditions. ClinVar contains an entry for this variant (Variation ID: 954391). Algorithms developed to predict the effect of missense changes on protein structure and function (SIFT, PolyPhen-2, Align-GVGD) all suggest that this variant is likely to be tolerated. In summary, the available evidence is currently insufficient to determine the role of this variant in disease. Therefore, it has been classified as a Variant of Uncertain Significance.

Ambry Genetics
Classification: Uncertain significance for Inborn genetic diseases. Last evaluated: 2021-10-26. Review status: criteria provided, single submitter. Criteria: Ambry Variant Classification Scheme 2023. Collection method: clinical testing. Allele origin: germline.